The following is an entry in ClinVar:

NM_173689.7(CRB2):c.737G>A (p.Arg246His)

Gene: CRB2 (crumbs cell polarity complex component 2; plus strand). Cytogenetic location: 9q33.3.
Variant type: single nucleotide variant.
Coding change: c.737G>A on transcript NM_173689.7 (MANE Select); coding-DNA position 737, G replaced by A.
Protein change: p.Arg246His; replaces arginine 246 with histidine.
Molecular consequence: missense variant.
Genome position (GRCh38, 1-based): chr9:123,366,349, G>A. VCF-style: chr9-123366349-G-A. GRCh37 (hg19) VCF-style: chr9-126128628-G-A.
Other names: c.737G>A (NM_173689.5); short protein forms R246H.
Identifiers: ClinVar variation 779095 (VCV000779095.18), dbSNP rs150339335, ClinGen allele CA5231749.

ClinVar aggregate classification (germline): Conflicting classifications of pathogenicity. Review status: criteria provided, conflicting classifications (1 of 4 stars). 6 submissions from 6 submitters: Uncertain significance (3); Likely benign (2). 1 of the submissions does not count toward it. Last evaluated 2025-10-12.

Conditions:
CRB2-related disorder. Also called: CRB2-related condition; CRB2-related disorders.
Inborn genetic diseases. Identifiers: MedGen C0950123, MeSH D030342.

Allele frequency attached by ClinVar (database versions not stated): gnomAD exomes 0.00009 and 0.00019; ExAC 0.00047; 1000 Genomes Project 0.00060; 1000 Genomes Project 30x 0.00078; gnomAD 0.00089 and 0.00096; TOPMed 0.00094; ESP Exome Variant Server 0.00108.

Submissions (6):

Labcorp Genetics (formerly Invitae), Labcorp
Classification: Likely benign. Last evaluated: 2025-10-12. Review status: criteria provided, single submitter. Criteria: Invitae Variant Classification Sherloc (09022015). Collection method: clinical testing. Allele origin: germline.

Ambry Genetics
Classification: Likely benign for Inborn genetic diseases. Last evaluated: 2024-12-12. Review status: criteria provided, single submitter. Criteria: Ambry Variant Classification Scheme 2023. Collection method: clinical testing. Allele origin: germline.

GeneDx
Classification: Uncertain significance. Last evaluated: 2023-08-15. Review status: criteria provided, single submitter. Criteria: GeneDx Variant Classification Process June 2021. Collection method: clinical testing. Allele origin: germline. Affected: yes.
Comment: In silico analysis supports that this missense variant does not alter protein structure/function; Has not been previously published as pathogenic or benign to our knowledge

Revvity Omics, Revvity
Classification: Uncertain significance. Last evaluated: 2022-03-02. Review status: criteria provided, single submitter. Criteria: ACMG Guidelines, 2015. Collection method: clinical testing. Allele origin: germline.

Genetic Services Laboratory, University of Chicago
Classification: Uncertain significance. Last evaluated: 2021-06-28. Review status: criteria provided, single submitter. Criteria: ACMG Guidelines, 2015. Collection method: clinical testing. Allele origin: germline. Affected: no.
Comment: DNA sequence analysis of the CRB2 gene demonstrated a sequence change, c.737G>A, in exon 4 that results in an amino acid change, p.Arg246His. This sequence change has been described in the gnomAD database with a frequency of 0.33% in the African/African American subpopulation (dbSNP rs150339335). The p.Arg246His change affects a poorly conserved amino acid residue located in a domain of the CRB2 protein that is known to be functional. In-silico pathogenicity prediction tools (SIFT, PolyPhen2, Align GVGD, REVEL) provide contradictory results for the p.Arg246His substitution. This sequence change does not appear to have been previously described in individuals with CRB2-related disorders. Due to insufficient evidences and the lack of functional studies, the clinical significance of the p.Arg246His change remains unknown at this time.

PreventionGenetics, part of Exact Sciences
Classification: Likely benign for CRB2-related condition. Last evaluated: 2024-07-07. Review status: no assertion criteria provided. Collection method: clinical testing. Allele origin: germline. Not counted in ClinVar's aggregate classification.
Comment: This variant is classified as likely benign based on ACMG/AMP sequence variant interpretation guidelines (Richards et al. 2015 PMID: 25741868, with internal and published modifications).